The following is an entry in ClinVar:

ClinVar aggregate classification (germline): Uncertain significance (1 of 4 stars; one submission).

Conditions:
Cardiovascular phenotype. Identifiers: MedGen CN230736.

gnomAD v4.1: 1 of 1,612,306 alleles (0.000062%); highest among the groups gnomAD compares: Non-Finnish European, 0.000085%; no homozygotes.

Submission:

Ambry Genetics
Classification: Uncertain significance for Cardiovascular phenotype. Last evaluated: 2026-03-07. Review status: criteria provided, single submitter. Criteria: Ambry Variant Classification Scheme 2023. Collection method: clinical testing. Allele origin: germline.
Comment: The p.M42L variant (also known as c.124A>C), located in coding exon 2 of the JAG1 gene, results from an A to C substitution at nucleotide position 124. The methionine at codon 42 is replaced by leucine, an amino acid with highly similar properties. This amino acid position is conserved. In addition, the in silico prediction for this alteration is inconclusive. Based on the available evidence, the clinical significance of this variant remains unclear.

NM_000214.3(JAG1):c.124A>C (p.Met42Leu)

Gene: JAG1 (jagged canonical Notch ligand 1; minus strand). Cytogenetic location: 20p12.2.
Variant type: single nucleotide variant.
Coding change: c.124A>C on transcript NM_000214.3 (MANE Select); coding-DNA position 124, A replaced by C.
Protein change: p.Met42Leu; replaces methionine 42 with leucine.
Molecular consequence: missense variant.
Genome position (GRCh38, 1-based): chr20:10,672,964, T>G on the plus strand (A>C on the coding strand, the complement: JAG1 is on the minus strand). VCF-style: chr20-10672964-T-G. GRCh37 (hg19) VCF-style: chr20-10653612-T-G.
Other names: short protein forms M42L.
Identifiers: ClinVar variation 4827223 (VCV004827223.1).